The following is an entry in ClinVar:

NM_021830.5(TWNK):c.699C>T (p.Tyr233=)

Gene: TWNK (twinkle mtDNA helicase; plus strand). Cytogenetic location: 10q24.31.
Variant type: single nucleotide variant.
Coding change: c.699C>T on transcript NM_021830.5 (MANE Select); coding-DNA position 699, C replaced by T.
Protein change: p.Tyr233=; no amino-acid change (tyrosine 233 retained).
Molecular consequence: synonymous variant. On other transcripts: non-coding transcript variant (4), intron variant (3).
Genome position (GRCh38, 1-based): chr10:100,988,909, C>T. VCF-style: chr10-100988909-C-T. GRCh37 (hg19) VCF-style: chr10-102748666-C-T.
Other names: p.Tyr233=; c.699C>T, p.Tyr233= (NM_001163812.2); c.-119-735C>T (NM_001163814.2, NM_001163813.2); c.-57-797C>T (NM_001368275.1).
Identifiers: ClinVar variation 742104 (VCV000742104.40), dbSNP rs368878041, ClinGen allele CA5653106.

ClinVar aggregate classification (germline): Likely benign. Review status: criteria provided, multiple submitters, no conflicts (2 of 4 stars). 4 submissions from 4 submitters: Likely benign (3). 1 of the submissions does not count toward it. Last evaluated 2026-01-08.

Conditions:
TWNK-related disorder. Also called: TWNK-related condition.

Allele frequency attached by ClinVar (database versions not stated): ExAC 0.00004; gnomAD exomes 0.00005; gnomAD 0.00009; TOPMed 0.00010; ESP Exome Variant Server 0.00023.
gnomAD v4.1: 215 of 1,614,044 alleles (0.013%); highest among the groups gnomAD compares: African/African-American, 0.024%; no homozygotes.

Submissions (4):

Labcorp Genetics (formerly Invitae), Labcorp
Classification: Likely benign. Last evaluated: 2026-01-08. Review status: criteria provided, single submitter. Criteria: Invitae Variant Classification Sherloc (09022015). Collection method: clinical testing. Allele origin: germline.

Mayo Clinic Laboratories, Mayo Clinic
Classification: Likely benign. Last evaluated: 2025-09-19. Review status: criteria provided, single submitter. Criteria: ACMG Guidelines, 2015. Collection method: clinical testing. Allele origin: germline. Observed: 2 variant alleles.
Comment: BP4, BP7

CeGaT Center for Human Genetics Tuebingen
Classification: Likely benign. Last evaluated: 2022-11-01. Review status: criteria provided, single submitter. Criteria: CeGaT Center For Human Genetics Tuebingen Variant Classification Criteria Version 2. Collection method: clinical testing. Allele origin: germline. Affected: yes. Observed: 1 variant allele.
Comment: TWNK: BP4, BP7

PreventionGenetics, part of Exact Sciences
Classification: Likely benign for TWNK-related condition. Last evaluated: 2021-11-03. Review status: no assertion criteria provided. Collection method: clinical testing. Allele origin: germline. Not counted in ClinVar's aggregate classification.
Comment: This variant is classified as likely benign based on ACMG/AMP sequence variant interpretation guidelines (Richards et al. 2015 PMID: 25741868, with internal and published modifications).